The following is an entry in ClinVar:

NM_001844.5(COL2A1):c.4093A>T (p.Asn1365Tyr)

Gene: COL2A1 (collagen type II alpha 1 chain; minus strand). Cytogenetic location: 12q13.11.
Variant type: single nucleotide variant.
Coding change: c.4093A>T on transcript NM_001844.5 (MANE Select); coding-DNA position 4093, A replaced by T.
Protein change: p.Asn1365Tyr; replaces asparagine 1365 with tyrosine.
Molecular consequence: missense variant.
Genome position (GRCh38, 1-based): chr12:47,974,313, T>A on the plus strand (A>T on the coding strand, the complement: COL2A1 is on the minus strand). VCF-style: chr12-47974313-T-A. GRCh37 (hg19) VCF-style: chr12-48368096-T-A.
Other names: c.3886A>T, p.Asn1296Tyr (NM_033150.3); short protein forms N1365Y, N1296Y.
Identifiers: ClinVar variation 881094 (VCV000881094.13), dbSNP rs202105427, ClinGen allele CA6534540.

ClinVar aggregate classification (germline): Conflicting classifications of pathogenicity. Review status: criteria provided, conflicting classifications (1 of 4 stars). 3 submissions from 2 submitters: Uncertain significance (1); Likely benign (2). Last evaluated 2025-09-29.

Conditions:
Type 2 collagenopathy. Identifiers: Orphanet 93421, MedGen C2931073, MONDO:0022800.
Stickler syndrome type 1 (STL1). Also called: ARTHROOPHTHALMOPATHY, HEREDITARY PROGRESSIVE; STICKLER SYNDROME, MEMBRANOUS VITREOUS TYPE; STICKLER SYNDROME, VITREOUS TYPE 1; COL2A1-Related Stickler Syndrome. Identifiers: Orphanet 828, Orphanet 90653, MedGen C2020284, MONDO:0007160, OMIM 108300.

Allele frequency attached by ClinVar (database versions not stated): gnomAD 0.00001 and 0.00002; TOPMed 0.00001; ExAC 0.00002; gnomAD exomes 0.00002; ESP Exome Variant Server 0.00008; 1000 Genomes Project 30x 0.00016; 1000 Genomes Project 0.00020.
gnomAD v4.1: 19 of 1,614,058 alleles (0.0012%); highest among the groups gnomAD compares: Non-Finnish European, 0.0014%; no homozygotes.

Submissions (3):

Labcorp Genetics (formerly Invitae), Labcorp
Classification: Likely benign. Last evaluated: 2025-09-29. Review status: criteria provided, single submitter. Criteria: Invitae Variant Classification Sherloc (09022015). Collection method: clinical testing. Allele origin: germline.

Illumina Laboratory Services, Illumina
Classification: Uncertain significance for Stickler syndrome type 1. Last evaluated: 2018-01-13. Review status: criteria provided, single submitter. Criteria: ICSL Variant Classification Criteria 13 December 2019. Collection method: clinical testing. Allele origin: germline.

Illumina Laboratory Services, Illumina
Classification: Likely benign for Type II Collagenopathies. Last evaluated: 2018-01-13. Review status: criteria provided, single submitter. Criteria: ICSL Variant Classification Criteria 13 December 2019. Collection method: clinical testing. Allele origin: germline.
Comment: This variant was observed in the ICSL laboratory as part of a predisposition screen in an ostensibly healthy population. It had not been previously curated by ICSL or reported in the Human Gene Mutation Database (HGMD: prior to June 1st, 2018), and was therefore a candidate for classification through an automated scoring system. Utilizing variant allele frequency, disease prevalence and penetrance estimates, and inheritance mode, an automated score was calculated to assess if this variant is too frequent to cause the disease. Based on the score and internal cut-off values, a variant classified as likely benign is not then subjected to further curation. The score for this variant resulted in a classification of likely benign for this disease.